The following is an entry in ClinVar:

ClinVar aggregate classification (germline): Uncertain significance (1 of 4 stars; one submission).

Submission:

Labcorp Genetics (formerly Invitae), Labcorp
Classification: Uncertain significance. Last evaluated: 2024-06-08. Review status: criteria provided, single submitter. Criteria: Invitae Variant Classification Sherloc (09022015). Collection method: clinical testing. Allele origin: germline.
Comment: This sequence change falls in intron 1 of the RPL35 gene. It does not directly change the encoded amino acid sequence of the RPL35 protein. It affects a nucleotide within the consensus splice site. This variant is not present in population databases (gnomAD no frequency). This variant has not been reported in the literature in individuals affected with RPL35-related conditions. Variants that disrupt the consensus splice site are a relatively common cause of aberrant splicing (PMID: 17576681, 9536098). Algorithms developed to predict the effect of sequence changes on RNA splicing suggest that this variant may disrupt the consensus splice site. In summary, the available evidence is currently insufficient to determine the role of this variant in disease. Therefore, it has been classified as a Variant of Uncertain Significance.

Literature cited by the submitters: PubMed 17576681; PubMed 9536098.

NM_007209.4(RPL35):c.3+4A>G

Gene: RPL35 (ribosomal protein L35; minus strand). Cytogenetic location: 9q33.3.
Variant type: single nucleotide variant.
Coding change: c.3+4A>G on transcript NM_007209.4 (MANE Select); 4 bases into the intron after coding-DNA position 3, A replaced by G.
Molecular consequence: intron variant.
Genome position (GRCh38, 1-based): chr9:124,861,906, T>C on the plus strand (A>G on the coding strand, the complement: RPL35 is on the minus strand). VCF-style: chr9-124861906-T-C. GRCh37 (hg19) VCF-style: chr9-127624185-T-C.
Identifiers: ClinVar variation 3698685 (VCV003698685.2).